The following is an entry in ClinVar:

NM_024417.5(FDXR):c.1107A>T (p.Pro369=)

Gene: FDXR (ferredoxin reductase; minus strand). Cytogenetic location: 17q25.1.
Variant type: single nucleotide variant.
Coding change: c.1107A>T on transcript NM_024417.5 (MANE Select); coding-DNA position 1107, A replaced by T.
Protein change: p.Pro369=; no amino-acid change (proline 369 retained).
Molecular consequence: synonymous variant. On other transcripts: non-coding transcript variant (1).
Genome position (GRCh38, 1-based): chr17:74,863,963, T>A on the plus strand (A>T on the coding strand, the complement: FDXR is on the minus strand). VCF-style: chr17-74863963-T-A. GRCh37 (hg19) VCF-style: chr17-72860085-T-A.
Other names: c.1236A>T, p.Pro412= (NM_001258012.4); c.1200A>T, p.Pro400= (NM_001258013.4); c.1083A>T, p.Pro361= (NM_001258014.4); c.987A>T, p.Pro329= (NM_001258015.3); c.951A>T, p.Pro317= (NM_001258016.3); c.1125A>T, p.Pro375= (NM_004110.6).
Identifiers: ClinVar variation 3039922 (VCV003039922.4), dbSNP rs143268395, ClinGen allele CA8752918.

ClinVar aggregate classification (germline): Likely benign. Review status: criteria provided, multiple submitters, no conflicts (2 of 4 stars). 3 submissions from 3 submitters: Likely benign (2). 1 of the submissions does not count toward it. Last evaluated 2026-09-01.

Conditions:
FDXR-related disorder. Also called: FDXR-related condition; FDXR-related disorders.

Allele frequency attached by ClinVar (database versions not stated): gnomAD exomes 0.00024; ExAC 0.00095; gnomAD 0.00247; 1000 Genomes Project 0.00280; TOPMed 0.00290; ESP Exome Variant Server 0.00300; 1000 Genomes Project 30x 0.00344.
gnomAD v4.1: 736 of 1,614,036 alleles (0.046%); highest among the groups gnomAD compares: African/African-American, 0.9%; 1 homozygote.

Submissions (3):

CeGaT Center for Human Genetics Tuebingen
Classification: Likely benign. Last evaluated: 2026-09-01. Review status: criteria provided, single submitter. Criteria: CeGaT Center For Human Genetics Tuebingen Variant Classification Criteria Version 2. Collection method: clinical testing. Allele origin: germline. Affected: yes. Observed: 1 variant allele.
Comment: FDXR: BP4, BP7

Blueprint Genetics
Classification: Likely benign. Last evaluated: 2024-11-12. Review status: criteria provided, single submitter. Criteria: ACMG Guidelines, 2015. Collection method: clinical testing. Allele origin: germline.

PreventionGenetics, part of Exact Sciences
Classification: Benign for FDXR-related condition. Last evaluated: 2021-03-31. Review status: no assertion criteria provided. Collection method: clinical testing. Allele origin: germline. Not counted in ClinVar's aggregate classification.
Comment: This variant is classified as benign based on ACMG/AMP sequence variant interpretation guidelines (Richards et al. 2015 PMID: 25741868, with internal and published modifications).